The following is an entry in ClinVar:

NM_002485.5(NBN):c.1509T>C (p.Asn503=)

Gene: NBN (nibrin; minus strand). Cytogenetic location: 8q21.3.
Variant type: single nucleotide variant.
Coding change: c.1509T>C on transcript NM_002485.5 (MANE Select); coding-DNA position 1509, T replaced by C.
Protein change: p.Asn503=; no amino-acid change (asparagine 503 retained).
Molecular consequence: synonymous variant.
Genome position (GRCh38, 1-based): chr8:89,953,580, A>G on the plus strand (T>C on the coding strand, the complement: NBN is on the minus strand). VCF-style: chr8-89953580-A-G. GRCh37 (hg19) VCF-style: chr8-90965808-A-G.
Other names: c.1263T>C, p.Asn421= (NM_001024688.3).
Identifiers: ClinVar variation 233948 (VCV000233948.16), dbSNP rs876660751, ClinGen allele CA10578761.

ClinVar aggregate classification (germline): Likely benign. Review status: criteria provided, multiple submitters, no conflicts (2 of 4 stars). 3 submissions from 3 submitters: Likely benign (3). Last evaluated 2022-08-25.

Conditions:
Hereditary cancer-predisposing syndrome. Also called: Tumor predisposition; Hereditary Cancer Syndrome; Hereditary neoplastic syndrome; Neoplastic Syndromes, Hereditary. Identifiers: Orphanet 140162, MedGen C0027672, MeSH D009386, MONDO:0015356.
Microcephaly, normal intelligence and immunodeficiency (NBS). Also called: IMMUNODEFICIENCY, MICROCEPHALY, AND CHROMOSOMAL INSTABILITY; SEEMANOVA SYNDROME II; Nijmegen breakage syndrome; Microcephaly with normal intelligence immunodeficiency and lymphoreticular malignancies; Nonsyndromal microcephaly autosomal recessive with normal intelligence; Seemanova syndrome 2. Identifiers: Orphanet 647, MedGen C0398791, MONDO:0009623, OMIM 251260.

Submissions (3):

Labcorp Genetics (formerly Invitae), Labcorp
Classification: Likely benign for Microcephaly, normal intelligence and immunodeficiency. Last evaluated: 2022-08-25. Review status: criteria provided, single submitter. Criteria: Invitae Variant Classification Sherloc (09022015). Collection method: clinical testing. Allele origin: germline.

GeneDx
Classification: Likely benign. Last evaluated: 2017-05-24. Review status: criteria provided, single submitter. Criteria: GeneDx Variant Classification (06012015). Collection method: clinical testing. Allele origin: germline. Affected: yes.
Comment: This variant is considered likely benign or benign based on one or more of the following criteria: it is a conservative change, it occurs at a poorly conserved position in the protein, it is predicted to be benign by multiple in silico algorithms, and/or has population frequency not consistent with disease.

Ambry Genetics
Classification: Likely benign for Hereditary cancer-predisposing syndrome. Last evaluated: 2015-09-18. Review status: criteria provided, single submitter. Criteria: Ambry Variant Classification Scheme 2023. Collection method: clinical testing. Allele origin: germline.